The following is an entry in ClinVar:

NM_032447.5(FBN3):c.8027G>A (p.Cys2676Tyr)

Gene: FBN3 (fibrillin 3; minus strand). Cytogenetic location: 19p13.2.
Variant type: single nucleotide variant.
Coding change: c.8027G>A on transcript NM_032447.5 (MANE Select); coding-DNA position 8027, G replaced by A.
Protein change: p.Cys2676Tyr; replaces cysteine 2676 with tyrosine.
Molecular consequence: missense variant.
Genome position (GRCh38, 1-based): chr19:8,072,109, C>T on the plus strand (G>A on the coding strand, the complement: FBN3 is on the minus strand). VCF-style: chr19-8072109-C-T. GRCh37 (hg19) VCF-style: chr19-8136993-C-T.
Other names: c.8027G>A, p.Cys2676Tyr (NM_001321431.2); short protein forms C2676Y.
Identifiers: ClinVar variation 1719184 (VCV001719184.5), dbSNP rs2512522518, ClinGen allele CA403695784.
Genomic context (GRCh38, chr19:8,072,109, plus strand): 5'-TGGTGGTCCCTGTGGGCACTGCGTCGTGGCCGGTCCCGAGGGGAGAGGCCATTGATCTTG[C>T]ATTCGTAGCAGGCTTCAGACGAGAGCAGCTCCTCTTTGTCCGGGGTGTCCTGGGGTCCGG-3'
Protein context (NP_115823.3, residues 2666-2686): ELLSSEACYE[Cys2676Tyr]KINGLSPRDR

ClinVar aggregate classification (germline): Uncertain significance (1 of 4 stars; one submission).

Submission:

Labcorp Genetics (formerly Invitae), Labcorp
Classification: Uncertain significance. Last evaluated: 2024-04-29. Review status: criteria provided, single submitter. Criteria: Invitae Variant Classification Sherloc (09022015). Collection method: clinical testing. Allele origin: germline.
Comment: This sequence change replaces cysteine, which is neutral and slightly polar, with tyrosine, which is neutral and polar, at codon 2676 of the FBN3 protein (p.Cys2676Tyr). This variant is not present in population databases (gnomAD no frequency). This variant has not been reported in the literature in individuals affected with FBN3-related conditions. ClinVar contains an entry for this variant (Variation ID: 1719184). Advanced modeling of protein sequence and biophysical properties (such as structural, functional, and spatial information, amino acid conservation, physicochemical variation, residue mobility, and thermodynamic stability) performed at Invitae indicates that this missense variant is expected to disrupt FBN3 protein function with a positive predictive value of 80%. In summary, the available evidence is currently insufficient to determine the role of this variant in disease. Therefore, it has been classified as a Variant of Uncertain Significance.